The following is an entry in ClinVar:

NM_201384.3(PLEC):c.7369C>T (p.Arg2457Cys)

Gene: PLEC (plectin; minus strand). Cytogenetic location: 8q24.3.
Variant type: single nucleotide variant.
Coding change: c.7369C>T on transcript NM_201384.3 (MANE Select); coding-DNA position 7369, C replaced by T.
Protein change: p.Arg2457Cys; replaces arginine 2457 with cysteine.
Molecular consequence: missense variant.
Genome position (GRCh38, 1-based): chr8:143,922,560, G>A on the plus strand (C>T on the coding strand, the complement: PLEC is on the minus strand). VCF-style: chr8-143922560-G-A. GRCh37 (hg19) VCF-style: chr8-144996728-G-A.
Other names: c.7450C>T, p.Arg2484Cys (NM_000445.5); c.7327C>T, p.Arg2443Cys (NM_201378.4); c.7303C>T, p.Arg2435Cys (NM_201379.3); c.7780C>T, p.Arg2594Cys (NM_201380.4); c.7273C>T, p.Arg2425Cys (NM_201381.3); c.7369C>T, p.Arg2457Cys (NM_201382.4); c.7381C>T, p.Arg2461Cys (NM_201383.3); short protein forms R2425C, R2594C, R2443C, R2435C, R2457C, R2461C, R2484C.
Identifiers: ClinVar variation 471645 (VCV000471645.11), dbSNP rs200652637, ClinGen allele CA4925674.

ClinVar aggregate classification (germline): Conflicting classifications of pathogenicity. Review status: criteria provided, conflicting classifications (1 of 4 stars). 4 submissions from 4 submitters: Uncertain significance (3); Likely benign (1). Last evaluated 2025-08-03.

Conditions:
Epidermolysis bullosa simplex with nail dystrophy (EBS5D). Identifiers: MedGen C4225309, MONDO:0014661, OMIM 616487.
Epidermolysis bullosa simplex, Ogna type (EBS5A). Also called: Pidermolysis bullosa simplex 5A, Ogna type; EPIDERMOLYSIS BULLOSA SIMPLEX 5A, OGNA TYPE. Identifiers: Orphanet 79401, MedGen C0432317, MONDO:0007555, OMIM 131950.
Autosomal recessive limb-girdle muscular dystrophy type 2Q (LGMDR17). Also called: MUSCULAR DYSTROPHY, LIMB-GIRDLE, AUTOSOMAL RECESSIVE 17. Identifiers: Orphanet 254361, MedGen C3150989, MONDO:0013390, OMIM 613723.
Epidermolysis bullosa simplex 5C, with pyloric atresia (EBS5C). Also called: PLEC-Related Epidermolysis Bullosa with Pyloric Atresia; Epidermolysis bullosa simplex with pyloric atresia; PLEC1-Related Epidermolysis Bullosa with Pyloric Atresia. Identifiers: Orphanet 158684, MedGen C2677349, MONDO:0012807, OMIM 612138.
Epidermolysis bullosa simplex 5B, with muscular dystrophy (EBS5B). Also called: EPIDERMOLYSIS BULLOSA SIMPLEX AND LIMB-GIRDLE MUSCULAR DYSTROPHY; Epidermolysis bullosa simplex with muscular dystrophy. Identifiers: Orphanet 257, MedGen C2931072, MONDO:0009181, OMIM 226670.

Allele frequency attached by ClinVar (database versions not stated): ExAC 0.00008; ESP Exome Variant Server 0.00008; gnomAD 0.00015 and 0.00016; 1000 Genomes Project 0.00020; TOPMed 0.00023; 1000 Genomes Project 30x 0.00062.

Submissions (4):

Labcorp Genetics (formerly Invitae), Labcorp
Classification: Uncertain significance for Autosomal recessive limb-girdle muscular dystrophy type 2Q; Epidermolysis bullosa simplex, Ogna type; Epidermolysis bullosa simplex with nail dystrophy; Epidermolysis bullosa simplex 5C, with pyloric atresia; Epidermolysis bullosa simplex 5B, with muscular dystrophy. Last evaluated: 2025-08-03. Review status: criteria provided, single submitter. Criteria: Invitae Variant Classification Sherloc (09022015). Collection method: clinical testing. Allele origin: germline.
Comment: This sequence change replaces arginine, which is basic and polar, with cysteine, which is neutral and slightly polar, at codon 2484 of the PLEC protein (p.Arg2484Cys). This variant is present in population databases (rs200652637, gnomAD 0.01%). This variant has not been reported in the literature in individuals affected with PLEC-related conditions. ClinVar contains an entry for this variant (Variation ID: 471645). An algorithm developed to predict the effect of missense changes on protein structure and function outputs the following: PolyPhen-2: "Benign". The cysteine amino acid residue is found in multiple mammalian species, which suggests that this missense change does not adversely affect protein function. In summary, the available evidence is currently insufficient to determine the role of this variant in disease. Therefore, it has been classified as a Variant of Uncertain Significance.

Athena Diagnostics
Classification: Uncertain significance. Last evaluated: 2024-03-07. Review status: criteria provided, single submitter. Criteria: Athena Diagnostics Criteria. Collection method: clinical testing. Allele origin: unknown.
Comment: Available data are insufficient to determine the clinical significance of the variant at this time. The frequency of this variant in the general population is uninformative in assessment of its pathogenicity. Computational tools disagree on the variant's effect on normal protein function.

Revvity Omics, Revvity
Classification: Uncertain significance. Last evaluated: 2021-05-26. Review status: criteria provided, single submitter. Criteria: ACMG Guidelines, 2015. Collection method: clinical testing. Allele origin: germline.

GeneDx
Classification: Likely benign. Last evaluated: 2017-12-26. Review status: criteria provided, single submitter. Criteria: GeneDx Variant Classification (06012015). Collection method: clinical testing. Allele origin: germline. Affected: yes.
Comment: This variant is considered likely benign or benign based on one or more of the following criteria: it is a conservative change, it occurs at a poorly conserved position in the protein, it is predicted to be benign by multiple in silico algorithms, and/or has population frequency not consistent with disease.